The following is an entry in ClinVar:

ClinVar aggregate classification (germline): Pathogenic (1 of 4 stars; one submission).

Submission:

GeneDx
Classification: Pathogenic. Last evaluated: 2024-10-02. Review status: criteria provided, single submitter. Criteria: GeneDx Variant Classification Process June 2021. Collection method: clinical testing. Allele origin: germline. Affected: yes.
Comment: Frameshift variant predicted to result in protein truncation or nonsense mediated decay in a gene for which loss of function is a known mechanism of disease; Not observed at significant frequency in large population cohorts (gnomAD); This variant is associated with the following publications: (PMID: 36186434)

NM_001009944.3(PKD1):c.3424del (p.Arg1142fs)

Gene: PKD1 (polycystin 1, transient receptor potential channel interacting; minus strand). Cytogenetic location: 16p13.3.
Variant type: Deletion.
Coding change: c.3424del on transcript NM_001009944.3 (MANE Select); coding-DNA position 3424, one base deleted (C; older notation c.3424delC).
Protein change: p.Arg1142fs; shifts the reading frame from arginine 1142.
Molecular consequence: frameshift variant.
Genome position (GRCh38, 1-based): chr16:2,111,743, G deleted on the plus strand (C on the coding strand, the reverse complement: PKD1 is on the minus strand); the first of 2 consecutive G bases (chr16:2,111,743-2,111,744); deleting either gives the same sequence. VCF-style (leftmost placement, unchanged base first): chr16-2111742-CG-C. GRCh37 (hg19) VCF-style: chr16-2161743-CG-C.
Other names: c.3424del, p.Arg1142fs (NM_000296.4); c.3423delC, p.Arg1142Glyfs (NM_001009944.2); short protein forms R1142fs.
Identifiers: ClinVar variation 3776414 (VCV003776414.1).